The following is an entry in ClinVar:

ClinVar aggregate classification (germline): Uncertain significance (1 of 4 stars; one submission).

Conditions:
Noonan syndrome 9 (NS9). Identifiers: Orphanet 648, MedGen C4225282, MONDO:0014691, OMIM 616559.

gnomAD v4.1: 6 of 1,612,814 alleles (0.00037%); highest among the groups gnomAD compares: South Asian, 0.0011%; no homozygotes.

Submission:

Labcorp Genetics (formerly Invitae), Labcorp
Classification: Uncertain significance for Noonan syndrome 9. Last evaluated: 2025-12-01. Review status: criteria provided, single submitter. Criteria: Invitae Variant Classification Sherloc (09022015). Collection method: clinical testing. Allele origin: germline.
Comment: This sequence change replaces histidine, which is basic and polar, with tyrosine, which is neutral and polar, at codon 408 of the SOS2 protein (p.His408Tyr). This variant is not present in population databases (gnomAD no frequency). This variant has not been reported in the literature in individuals affected with SOS2-related conditions. Invitae Evidence Modeling of protein sequence and biophysical properties (such as structural, functional, and spatial information, amino acid conservation, physicochemical variation, residue mobility, and thermodynamic stability) indicates that this missense variant is not expected to disrupt SOS2 protein function with a negative predictive value of 95%. In summary, the available evidence is currently insufficient to determine the role of this variant in disease. Therefore, it has been classified as a Variant of Uncertain Significance.

NM_006939.4(SOS2):c.1222C>T (p.His408Tyr)

Gene: SOS2 (SOS Ras/Rho guanine nucleotide exchange factor 2; minus strand). Cytogenetic location: 14q21.3.
Variant type: single nucleotide variant.
Coding change: c.1222C>T on transcript NM_006939.4 (MANE Select); coding-DNA position 1222, C replaced by T.
Protein change: p.His408Tyr; replaces histidine 408 with tyrosine.
Molecular consequence: missense variant.
Genome position (GRCh38, 1-based): chr14:50,160,061, G>A on the plus strand (C>T on the coding strand, the complement: SOS2 is on the minus strand). VCF-style: chr14-50160061-G-A. GRCh37 (hg19) VCF-style: chr14-50626779-G-A.
Other names: c.1123C>T, p.His375Tyr (NM_001411020.1); short protein forms H408Y, H375Y.
Identifiers: ClinVar variation 4744123 (VCV004744123.1).